The following is an entry in ClinVar:

ClinVar aggregate classification (germline): Uncertain significance. Review status: reviewed by expert panel (3 of 4 stars). 3 submissions from 3 submitters: Uncertain significance (1). 2 of the submissions do not count toward it. Last evaluated 2025-08-01.

Conditions:
RYR1-related disorder. Also called: RYR1-related disorders; RYR1-related condition. Identifiers: MedGen CN239331.
Malignant hyperthermia of anesthesia. Also called: Anesthesic-triggered malignant hyperthermia. Identifiers: Orphanet 423, MedGen C0024591, MONDO:0018493, HP:0034733.

Allele frequency attached by ClinVar (database versions not stated): gnomAD 0.00003.
gnomAD v4.1: 1 of 1,613,710 alleles (0.000062%); highest among the groups gnomAD compares: Non-Finnish European, 0.000085%; no homozygotes.

Submissions (3):

ClinGen Malignant Hyperthermia Susceptibility Variant Curation Expert Panel, ClinGen
Classification: Uncertain significance for Malignant hyperthermia of anesthesia. Last evaluated: 2025-08-01. Review status: reviewed by expert panel. Criteria: ClinGen MHS ACMG Specifications V2. Collection method: curation. Allele origin: germline. Inheritance: Autosomal dominant inheritance.
Comment: This pathogenicity assessment is relevant only for malignant hyperthermia susceptibility (MHS) inherited in an autosomal dominant pattern. Variants in RYR1 can also cause other myopathies inherited in an autosomal dominant pattern or in an autosomal recessive pattern. Some of these disorders may predispose individuals to malignant hyperthermia. RYR1 variants may also contribute to a malignant hyperthermia reaction in combination with other genetic and non-genetic factors and the clinician needs to consider such factors in making management decisions. This sequence variant predicts a substitution of isoleucine with valine at codon 4928 of the RYR1 protein, p.(Ile4928Val). The maximum allele frequency for this variant among the six major gnomAD populations is NFE: 0.0000649, a frequency consistent with pathogenicity for MHS. This variant was reported in an individual with a personal or family history of an MH episode without a positive in vitro contracture test (IVCT) or caffeine halothane contracture test (CHCT) result (PMID:16732084), PS4 not met. No functional studies were identified for this variant. This variant resides in a region of RYR1 considered to be a hotspot for pathogenic variants that contribute to MHS, PM1_Supporting (PMID: 21118704). A REVEL score of 0.837 supports neither a pathogenic nor a benign status for this variant. This variant has been classified as a Variant of Unknown Significance. Criteria implemented: PM1_Supporting.

Labcorp Genetics (formerly Invitae), Labcorp
Classification: Uncertain significance for RYR1-related disorder. Last evaluated: 2022-06-08. Review status: criteria provided, single submitter. Criteria: Invitae Variant Classification Sherloc (09022015). Collection method: clinical testing. Allele origin: germline. Not counted in ClinVar's aggregate classification.
Comment: In summary, the available evidence is currently insufficient to determine the role of this variant in disease. Therefore, it has been classified as a Variant of Uncertain Significance. Advanced modeling of protein sequence and biophysical properties (such as structural, functional, and spatial information, amino acid conservation, physicochemical variation, residue mobility, and thermodynamic stability) performed at Invitae indicates that this missense variant is expected to disrupt RYR1 protein function. ClinVar contains an entry for this variant (Variation ID: 590472). This missense change has been observed in individual(s) with malignant hyperthermia (PMID: 21455645). This variant is not present in population databases (gnomAD no frequency). This sequence change replaces isoleucine, which is neutral and non-polar, with valine, which is neutral and non-polar, at codon 4928 of the RYR1 protein (p.Ile4928Val).

PreventionGenetics, part of Exact Sciences
Classification: Uncertain significance. Last evaluated: 2013-11-22. Review status: criteria provided, single submitter. Criteria: ACMG Guidelines, 2015. Collection method: clinical testing. Allele origin: germline. Not counted in ClinVar's aggregate classification.

Literature cited by the submitters: PubMed 21455645 (cited by Labcorp Genetics (formerly Invitae), Labcorp).

NM_000540.3(RYR1):c.14782A>G (p.Ile4928Val)

Gene: RYR1 (ryanodine receptor 1; plus strand). Cytogenetic location: 19q13.2.
Variant type: single nucleotide variant.
Coding change: c.14782A>G on transcript NM_000540.3 (MANE Select); coding-DNA position 14782, A replaced by G.
Protein change: p.Ile4928Val; replaces isoleucine 4928 with valine.
Molecular consequence: missense variant.
Genome position (GRCh38, 1-based): chr19:38,585,078, A>G. VCF-style: chr19-38585078-A-G. GRCh37 (hg19) VCF-style: chr19-39075718-A-G.
Other names: NM_000540.2(RYR1):c.14782A>G; p.Ile4928Val; c.14767A>G, p.Ile4923Val (NM_001042723.2); short protein forms I4928V, I4923V.
Identifiers: ClinVar variation 590472 (VCV000590472.10), dbSNP rs1286759539, ClinGen allele CA405691060.
Genomic context (GRCh38, chr19:38,585,078, plus strand): 5'-GACGAATACGAGCTCTACAGGGTGGTCTTCGACATCACCTTCTTCTTCTTCGTCATCGTC[A>G]TCCTGTTGGCCATCATCCAGGGTCAGTGCTGGGAGTGGGCGCTCAGGGCCCGGAGGCAGG-3'
Protein context (NP_000531.2, residues 4918-4938): DITFFFFVIV[Ile4928Val]LLAIIQGLII